The following is an entry in ClinVar:

ClinVar aggregate classification (germline): Pathogenic. Review status: criteria provided, multiple submitters, no conflicts (2 of 4 stars). 3 submissions from 3 submitters: Pathogenic (2). 1 of the submissions does not count toward it. Last evaluated 2025-05-27.

Conditions:
Neurodevelopmental disorder with growth retardation, dysmorphic facies, and corpus callosum abnormalities. Identifiers: MedGen C5774251, MONDO:0859312, OMIM 620113.

Submissions (3):

Women's Health and Genetics/Laboratory Corporation of America, LabCorp
Classification: Pathogenic for Neurodevelopmental disorder with growth retardation, dysmorphic facies, and corpus callosum abnormalities. Last evaluated: 2025-05-27. Review status: criteria provided, single submitter. Criteria: LabCorp Variant Classification Summary - May 2015. Collection method: clinical testing. Allele origin: germline.
Comment: Variant summary: FRA10AC1 c.494_496delAAG (p.Glu165del) results in an in-frame deletion that is predicted to remove one amino acid from the encoded protein. The variant was absent in 211266 control chromosomes. c.494_496delAAG has been observed in the homozygous state in individuals affected with Neurodevelopmental Disorder With Growth Retardation, Dysmorphic Facies, And Corpus Callosum Abnormalities from the same family where it segregated with disease (vonElsner_2022). These data indicate that the variant is very likely to be associated with disease. At least one publication reports experimental evidence evaluating an impact on protein function. The most pronounced variant effect results in 13% of normal activity (vonElsner_2022). The following publication have been ascertained in the context of this evaluation (PMID: 34694367). ClinVar contains an entry for this variant (Variation ID: 1722515). Based on the evidence outlined above, the variant was classified as pathogenic.

GeneDx
Classification: Pathogenic. Last evaluated: 2023-09-26. Review status: criteria provided, single submitter. Criteria: GeneDx Variant Classification Process June 2021. Collection method: clinical testing. Allele origin: germline. Affected: yes.
Comment: Published functional studies demonstrate a damaging effect [reduced protein expression] (von Elsner et al.., 2022); Not observed at significant frequency in large population cohorts (gnomAD); In-frame deletion of 1 amino acid in a non-repeat region; This variant is associated with the following publications: (PMID: 35871492, 34694367)

OMIM
Classification: Pathogenic for NEURODEVELOPMENTAL DISORDER WITH GROWTH RETARDATION, DYSMORPHIC FACIES, AND CORPUS CALLOSUM ABNORMALITIES. Last evaluated: 2022-11-04. Review status: no assertion criteria provided. Collection method: literature only. Allele origin: germline. Not counted in ClinVar's aggregate classification.

Literature cited by the submitters: PubMed 34694367 (cited by Women's Health and Genetics/Laboratory Corporation of America, LabCorp and OMIM).

NM_145246.5(FRA10AC1):c.491AAG[1] (p.Glu165del)

Gene: FRA10AC1 (FRA10A associated CGG repeat 1; minus strand). Cytogenetic location: 10q23.33.
Variant type: Microsatellite.
Coding change: c.491AAG[1] on transcript NM_145246.5 (MANE Select); one copy of the 3-base unit AAG starting at c.491; the reference has two copies in a row; one copy, 3 bases deleted; also written c.494_496del.
Protein change: p.Glu165del; deletes glutamic acid 165.
Molecular consequence: inframe deletion. On other transcripts: non-coding transcript variant (1).
Genome position (GRCh38, 1-based): chr10:93,687,419-93,687,421, CTT deleted on the plus strand (AAG on the coding strand, the reverse complement: FRA10AC1 is on the minus strand); deleting any 3 consecutive bases within chr10:93,687,419-93,687,424 gives the same sequence; the position shown is the placement nearest the transcript's 3' end. VCF-style (leftmost placement, unchanged base first): chr10-93687418-ACTT-A. GRCh37 (hg19) VCF-style: chr10-95447175-ACTT-A.
Other names: c.494_496del (NM_145246.5, NM_145246.4); c.494_496delAAG (NM_145246.5); c.491AAG[1], p.Glu165del (NM_001347712.2, NM_001347713.2, NM_001347714.2 and 1 more transcripts); short protein forms E165del.
Identifiers: ClinVar variation 1722515 (VCV001722515.3), dbSNP rs1427003828, ClinGen allele CA670087460.